The following is an entry in ClinVar:

NM_002890.3(RASA1):c.85G>T (p.Ala29Ser)

Gene: RASA1 (RAS p21 protein activator 1; plus strand). Cytogenetic location: 5q14.3.
Variant type: single nucleotide variant.
Coding change: c.85G>T on transcript NM_002890.3 (MANE Select); coding-DNA position 85, G replaced by T.
Protein change: p.Ala29Ser; replaces alanine 29 with serine.
Molecular consequence: missense variant.
Genome position (GRCh38, 1-based): chr5:87,268,536, G>T. VCF-style: chr5-87268536-G-T. GRCh37 (hg19) VCF-style: chr5-86564353-G-T.
Other names: short protein forms A29S.
Identifiers: ClinVar variation 2144140 (VCV002144140.4), dbSNP rs777487947, ClinGen allele CA3335321.

ClinVar aggregate classification (germline): Uncertain significance (1 of 4 stars; one submission).

Conditions:
Capillary malformation-arteriovenous malformation syndrome. Also called: Capillary malformation-arteriovenous malformation. Identifiers: Orphanet 137667, MedGen C1842180, MONDO:0012016.

Allele frequency attached by ClinVar (database versions not stated): TOPMed 0.00001; ExAC 0.00005.
gnomAD v4.1: 47 of 1,596,186 alleles (0.0029%); highest among the groups gnomAD compares: Non-Finnish European, 0.0038%; no homozygotes.

Submission:

Labcorp Genetics (formerly Invitae), Labcorp
Classification: Uncertain significance for Capillary malformation-arteriovenous malformation syndrome. Last evaluated: 2025-06-04. Review status: criteria provided, single submitter. Criteria: Invitae Variant Classification Sherloc (09022015). Collection method: clinical testing. Allele origin: germline.
Comment: This sequence change replaces alanine, which is neutral and non-polar, with serine, which is neutral and polar, at codon 29 of the RASA1 protein (p.Ala29Ser). This variant is present in population databases (rs777487947, gnomAD 0.003%). This variant has not been reported in the literature in individuals affected with RASA1-related conditions. ClinVar contains an entry for this variant (Variation ID: 2144140). An algorithm developed to predict the effect of missense changes on protein structure and function (PolyPhen-2) suggests that this variant is likely to be tolerated. In summary, the available evidence is currently insufficient to determine the role of this variant in disease. Therefore, it has been classified as a Variant of Uncertain Significance.